The following is an entry in ClinVar:

NM_000428.3(LTBP2):c.2458C>A (p.Gln820Lys)

Gene: LTBP2 (latent transforming growth factor beta binding protein 2; minus strand). Cytogenetic location: 14q24.3.
Variant type: single nucleotide variant.
Coding change: c.2458C>A on transcript NM_000428.3 (MANE Select); coding-DNA position 2458, C replaced by A.
Protein change: p.Gln820Lys; replaces glutamine 820 with lysine.
Molecular consequence: missense variant.
Genome position (GRCh38, 1-based): chr14:74,525,196, G>T on the plus strand (C>A on the coding strand, the complement: LTBP2 is on the minus strand). VCF-style: chr14-74525196-G-T. GRCh37 (hg19) VCF-style: chr14-74991899-G-T.
Other names: short protein forms Q820K.
Identifiers: ClinVar variation 2001956 (VCV002001956.4), dbSNP rs2506151116, ClinGen allele CA390392835.
Genomic context (GRCh38, chr14:74,525,196, plus strand): 5'-GGGTCACCAGCACATCAGTGGAGGGGGTCACTTGTTCTTCCTGTATCTCTGCAATCCCCT[G>T]TTCAGGCATTGGTGGGGTTGTGGCATTCCCTGTGGAGGAGAGAGGGGAAGAGGTGGGGTT-3'
Protein context (NP_000419.1, residues 810-830): GNATTPPMPE[Gln820Lys]GIAEIQEEQV

ClinVar aggregate classification (germline): Uncertain significance (1 of 4 stars; one submission).

Submission:

Labcorp Genetics (formerly Invitae), Labcorp
Classification: Uncertain significance. Last evaluated: 2022-11-22. Review status: criteria provided, single submitter. Criteria: Invitae Variant Classification Sherloc (09022015). Collection method: clinical testing. Allele origin: germline.
Comment: This sequence change replaces glutamine, which is neutral and polar, with lysine, which is basic and polar, at codon 820 of the LTBP2 protein (p.Gln820Lys). This variant is not present in population databases (gnomAD no frequency). This variant has not been reported in the literature in individuals affected with LTBP2-related conditions. Algorithms developed to predict the effect of missense changes on protein structure and function are either unavailable or do not agree on the potential impact of this missense change (SIFT: "Deleterious"; PolyPhen-2: "Benign"; Align-GVGD: "Class C45"). In summary, the available evidence is currently insufficient to determine the role of this variant in disease. Therefore, it has been classified as a Variant of Uncertain Significance.